The following is an entry in ClinVar:

NM_015662.3(IFT172):c.323A>G (p.Lys108Arg)

Gene: IFT172 (intraflagellar transport 172; minus strand). Cytogenetic location: 2p23.3.
Variant type: single nucleotide variant.
Coding change: c.323A>G on transcript NM_015662.3 (MANE Select); coding-DNA position 323, A replaced by G.
Protein change: p.Lys108Arg; replaces lysine 108 with arginine.
Molecular consequence: missense variant.
Genome position (GRCh38, 1-based): chr2:27,484,240, T>C on the plus strand (A>G on the coding strand, the complement: IFT172 is on the minus strand). VCF-style: chr2-27484240-T-C. GRCh37 (hg19) VCF-style: chr2-27707107-T-C.
Other names: c.323A>G, p.Lys108Arg (NM_001410739.1); short protein forms K108R.
Identifiers: ClinVar variation 3346178 (VCV003346178.1).
Genomic context (GRCh38, chr2:27,484,240, plus strand): 5'-TATATGTTTGTTCATCCTAAGGTTCCAGGGACTGGTCTGAACTTTACCGTCTGGATGAAC[T>C]TGTTGCAGATGACTTTCTTGTCACCCCTGCCAAACAAAAGAAGGGGAAACATATTAAAAA-3'
Protein context (NP_056477.1, residues 98-118): DWGDKKVICN[Lys108Arg]FIQTSAVTCL

ClinVar aggregate classification (germline): Uncertain significance (0 of 4 stars; one submission).

Conditions:
IFT172-related disorder. Also called: IFT172-related disorders; IFT172-related condition.

gnomAD v4.1: 2 of 1,614,090 alleles (0.00012%); highest among the groups gnomAD compares: Non-Finnish European, 0.00017%; no homozygotes.

Submission:

PreventionGenetics, part of Exact Sciences
Classification: Uncertain significance for IFT172-related condition. Last evaluated: 2024-05-08. Review status: no assertion criteria provided. Collection method: clinical testing. Allele origin: germline.
Comment: The IFT172 c.323A>G variant is predicted to result in the amino acid substitution p.Lys108Arg. To our knowledge, this variant has not been reported in the literature or in a large population database, indicating this variant is rare. At this time, the clinical significance of this variant is uncertain due to the absence of conclusive functional and genetic evidence.